The following is an entry in ClinVar:

ClinVar aggregate classification (germline): Benign/Likely benign. Review status: criteria provided, multiple submitters, no conflicts (2 of 4 stars). 4 submissions from 4 submitters: Benign (2); Likely benign (2). Last evaluated 2025-08-17.

Conditions:
Inborn genetic diseases. Identifiers: MedGen C0950123, MeSH D030342.
Focal segmental glomerulosclerosis 5 (FSGS5). Identifiers: Orphanet 656, MedGen C2750475, MONDO:0013191, OMIM 613237.
Charcot-Marie-Tooth disease dominant intermediate E. Also called: CHARCOT-MARIE-TOOTH NEUROPATHY WITH FOCAL SEGMENTAL GLOMERULONEPHRITIS. Identifiers: Orphanet 93114, MedGen C4302667, MONDO:0013758, OMIM 614455.

Allele frequency attached by ClinVar (database versions not stated): gnomAD below 0.00001 and 0.00001; TOPMed 0.00001; gnomAD exomes 0.00005 and 0.00008; ExAC 0.00008; 1000 Genomes Project 0.00020; 1000 Genomes Project 30x 0.00031.
gnomAD v4.1: 79 of 1,606,164 alleles (0.0049%); highest among the groups gnomAD compares: South Asian, 0.082%; no homozygotes.

Submissions (4):

Labcorp Genetics (formerly Invitae), Labcorp
Classification: Benign for Charcot-Marie-Tooth disease dominant intermediate E; Focal segmental glomerulosclerosis 5. Last evaluated: 2025-08-17. Review status: criteria provided, single submitter. Criteria: Invitae Variant Classification Sherloc (09022015). Collection method: clinical testing. Allele origin: germline.

Ambry Genetics
Classification: Likely benign for Inborn genetic diseases. Last evaluated: 2019-07-11. Review status: criteria provided, single submitter. Criteria: Ambry Variant Classification Scheme 2023. Collection method: clinical testing. Allele origin: germline.

Illumina Laboratory Services, Illumina
Classification: Benign for Focal segmental glomerulosclerosis 5. Last evaluated: 2018-01-12. Review status: criteria provided, single submitter. Criteria: ICSL Variant Classification Criteria 13 December 2019. Collection method: clinical testing. Allele origin: germline.
Comment: This variant was observed in the ICSL laboratory as part of a predisposition screen in an ostensibly healthy population. It had not been previously curated by ICSL or reported in the Human Gene Mutation Database (HGMD: prior to June 1st, 2018), and was therefore a candidate for classification through an automated scoring system. Utilizing variant allele frequency, disease prevalence and penetrance estimates, and inheritance mode, an automated score was calculated to assess if this variant is too frequent to cause the disease. Based on the score and internal cut-off values, a variant classified as benign is not then subjected to further curation. The score for this variant resulted in a classification of benign for this disease.

Breakthrough Genomics
Classification: Likely benign. Review status: criteria provided, single submitter. Criteria: ACMG Guidelines, 2015. Collection method: not provided. Allele origin: germline. Inheritance: Autosomal dominant inheritance. Affected: yes.

NM_022489.4(INF2):c.144C>T (p.Val48=)

Gene: INF2 (inverted formin 2; plus strand). Cytogenetic location: 14q32.33.
Variant type: single nucleotide variant.
Coding change: c.144C>T on transcript NM_022489.4 (MANE Select); coding-DNA position 144, C replaced by T.
Protein change: p.Val48=; no amino-acid change (valine 48 retained).
Molecular consequence: synonymous variant.
Genome position (GRCh38, 1-based): chr14:104,701,509, C>T. VCF-style: chr14-104701509-C-T. GRCh37 (hg19) VCF-style: chr14-105167846-C-T.
Other names: c.144C>T, p.Val48= (NM_001031714.4, NM_032714.3).
Identifiers: ClinVar variation 312677 (VCV000312677.10), dbSNP rs528508846, ClinGen allele CA7372234.